The following is an entry in ClinVar:

ClinVar aggregate classification (germline): Uncertain significance (1 of 4 stars; one submission).

Submission:

Ambry Genetics
Classification: Uncertain significance. Last evaluated: 2022-06-18. Review status: criteria provided, single submitter. Criteria: Ambry Variant Classification Scheme 2023. Collection method: clinical testing. Allele origin: germline.
Comment: The p.D995G variant (also known as c.2984A>G), located in coding exon 16 of the POLQ gene, results from an A to G substitution at nucleotide position 2984. The aspartic acid at codon 995 is replaced by glycine, an amino acid with similar properties. This amino acid position is conserved. In addition, this alteration is predicted to be tolerated by in silico analysis. Since supporting evidence is limited at this time, the clinical significance of this alteration remains unclear.

NM_199420.4(POLQ):c.2984A>G (p.Asp995Gly)

Gene: POLQ (DNA polymerase theta; minus strand). Cytogenetic location: 3q13.33.
Variant type: single nucleotide variant.
Coding change: c.2984A>G on transcript NM_199420.4 (MANE Select); coding-DNA position 2984, A replaced by G.
Protein change: p.Asp995Gly; replaces aspartic acid 995 with glycine.
Molecular consequence: missense variant.
Genome position (GRCh38, 1-based): chr3:121,489,947, T>C on the plus strand (A>G on the coding strand, the complement: POLQ is on the minus strand). VCF-style: chr3-121489947-T-C. GRCh37 (hg19) VCF-style: chr3-121208794-T-C.
Other names: short protein forms D995G.
Identifiers: ClinVar variation 1798422 (VCV001798422.2), dbSNP rs2048052113, ClinGen allele CA354103632.